The following is an entry in ClinVar:

NM_004407.4(DMP1):c.205A>G (p.Ser69Gly)

Genes: DMP1 (dentin matrix acidic phosphoprotein 1; plus strand), DMP1-AS1 (DMP1 and DSPP antisense RNA 1; minus strand). Cytogenetic location: 4q22.1.
Variant type: single nucleotide variant.
Coding change: c.205A>G on transcript NM_004407.4 (MANE Select); coding-DNA position 205, A replaced by G.
Protein change: p.Ser69Gly; replaces serine 69 with glycine.
Molecular consequence: missense variant.
Genome position (GRCh38, 1-based): chr4:87,661,983, A>G. VCF-style: chr4-87661983-A-G. GRCh37 (hg19) VCF-style: chr4-88583135-A-G.
Other names: c.157A>G, p.Ser53Gly (NM_001079911.3); short protein forms S53G, S69G.
Identifiers: ClinVar variation 3619872 (VCV003619872.1).
Genomic context (GRCh38, chr4:87,661,983, plus strand): 5'-CCTGGAATACTGACCATATCTGTTAACCCCAAATTCTAGGCAAATGAAGACCCCAGTGAC[A>G]GCACTCAGTCAGAGGAGGGCCTGGGCTCTGATGATCATCAATACATTTATAGGCTAGCTG-3'
Protein context (NP_004398.1, residues 59-79): EEQANEDPSD[Ser69Gly]TQSEEGLGSD

ClinVar aggregate classification (germline): Uncertain significance (1 of 4 stars; one submission).

gnomAD v4.1: 6 of 1,613,846 alleles (0.00037%); highest among the groups gnomAD compares: Admixed American, 0.005%; no homozygotes.

Submission:

Labcorp Genetics (formerly Invitae), Labcorp
Classification: Uncertain significance. Last evaluated: 2024-06-26. Review status: criteria provided, single submitter. Criteria: Invitae Variant Classification Sherloc (09022015). Collection method: clinical testing. Allele origin: germline.
Comment: This sequence change replaces serine, which is neutral and polar, with glycine, which is neutral and non-polar, at codon 69 of the DMP1 protein (p.Ser69Gly). This variant is present in population databases (rs10019009, gnomAD 0.003%). This variant has not been reported in the literature in individuals affected with DMP1-related conditions. An algorithm developed to predict the effect of missense changes on protein structure and function (PolyPhen-2) suggests that this variant is likely to be disruptive. In summary, the available evidence is currently insufficient to determine the role of this variant in disease. Therefore, it has been classified as a Variant of Uncertain Significance.